The following is an entry in ClinVar:

ClinVar aggregate classification (germline): Benign (1 of 4 stars; one submission).

Conditions:
Episodic ataxia type 5. Identifiers: Orphanet 211067, MedGen C1866039, MONDO:0013464, OMIM 613855.

Allele frequency attached by ClinVar (database versions not stated): 1000 Genomes Project 0.00220; gnomAD 0.00241 and 0.00256; 1000 Genomes Project 30x 0.00281; TOPMed 0.00283.

Submission:

Illumina Laboratory Services, Illumina
Classification: Benign for Episodic ataxia type 5. Last evaluated: 2018-01-12. Review status: criteria provided, single submitter. Criteria: ICSL Variant Classification Criteria 13 December 2019. Collection method: clinical testing. Allele origin: germline.
Comment: This variant was observed in the ICSL laboratory as part of a predisposition screen in an ostensibly healthy population. It had not been previously curated by ICSL or reported in the Human Gene Mutation Database (HGMD: prior to June 1st, 2018), and was therefore a candidate for classification through an automated scoring system. Utilizing variant allele frequency, disease prevalence and penetrance estimates, and inheritance mode, an automated score was calculated to assess if this variant is too frequent to cause the disease. Based on the score and internal cut-off values, a variant classified as benign is not then subjected to further curation. The score for this variant resulted in a classification of benign for this disease.

NM_000726.5(CACNB4):c.*1909C>T

Gene: CACNB4 (calcium voltage-gated channel auxiliary subunit beta 4; minus strand). Cytogenetic location: 2q23.3.
Variant type: single nucleotide variant.
Coding change: c.*1909C>T on transcript NM_000726.5 (MANE Select); 1909 bases downstream of the stop codon, C replaced by T.
Molecular consequence: 3 prime UTR variant.
Genome position (GRCh38, 1-based): chr2:151,837,210, G>A on the plus strand (C>T on the coding strand, the complement: CACNB4 is on the minus strand). VCF-style: chr2-151837210-G-A. GRCh37 (hg19) VCF-style: chr2-152693724-G-A.
Other names: c.*1909C>T (NM_001005746.4, NM_001005747.4, NM_001145798.3 and 7 more transcripts).
Identifiers: ClinVar variation 331597 (VCV000331597.6), dbSNP rs113319414, ClinGen allele CA10612563.